The following is an entry in ClinVar:

NM_024411.5(PDYN):c.405C>T (p.Asp135=)

Genes: PDYN-AS1 (PDYN antisense RNA 1; plus strand), PDYN (prodynorphin; minus strand). Cytogenetic location: 20p13.
Variant type: single nucleotide variant.
Coding change: c.405C>T on transcript NM_024411.5 (MANE Select); coding-DNA position 405, C replaced by T.
Protein change: p.Asp135=; no amino-acid change (aspartic acid 135 retained).
Molecular consequence: synonymous variant.
Genome position (GRCh38, 1-based): chr20:1,980,683, G>A on the plus strand (C>T on the coding strand, the complement: PDYN is on the minus strand). VCF-style: chr20-1980683-G-A. GRCh37 (hg19) VCF-style: chr20-1961329-G-A.
Other names: c.405C>T, p.Asp135= (NM_001190892.1, NM_001190898.3, NM_001190899.2 and 1 more transcripts).
Identifiers: ClinVar variation 337840 (VCV000337840.12), dbSNP rs147181436, ClinGen allele CA9730308.
Genomic context (GRCh38, chr20:1,980,683, plus strand): 5'-GGCACCATCGTTCAGCTGGGCATCCCTCATCAGCTCAGACTCTGCTCCCTCCCTAAACCC[G>A]TCAGAGAGACCCCTGAGCTTCTCCTCCAGGCTCTTGCTCAGAGTGTTCTCCTTTGTTGAG-3'
Protein context (NP_077722.1, residues 125-145): SLEEKLRGLS[Asp135=]GFREGAESEL

ClinVar aggregate classification (germline): Likely benign. Review status: criteria provided, multiple submitters, no conflicts (2 of 4 stars). 2 submissions from 2 submitters: Likely benign (2). Last evaluated 2025-11-03.

Conditions:
Spinocerebellar ataxia type 23 (SCA23). Identifiers: Orphanet 101108, MedGen C1853250, MONDO:0012449, OMIM 610245.

Allele frequency attached by ClinVar (database versions not stated): ESP Exome Variant Server 0.00008; TOPMed 0.00014; 1000 Genomes Project 30x 0.00016.
gnomAD v4.1: 205 of 1,614,154 alleles (0.013%); highest among the groups gnomAD compares: Non-Finnish European, 0.014%; no homozygotes.

Submissions (2):

Labcorp Genetics (formerly Invitae), Labcorp
Classification: Likely benign. Last evaluated: 2025-11-03. Review status: criteria provided, single submitter. Criteria: Invitae Variant Classification Sherloc (09022015). Collection method: clinical testing. Allele origin: germline.

Illumina Laboratory Services, Illumina
Classification: Likely benign for Spinocerebellar ataxia type 23. Last evaluated: 2018-01-12. Review status: criteria provided, single submitter. Criteria: ICSL Variant Classification Criteria 13 December 2019. Collection method: clinical testing. Allele origin: germline.
Comment: This variant was observed in the ICSL laboratory as part of a predisposition screen in an ostensibly healthy population. It had not been previously curated by ICSL or reported in the Human Gene Mutation Database (HGMD: prior to June 1st, 2018), and was therefore a candidate for classification through an automated scoring system. Utilizing variant allele frequency, disease prevalence and penetrance estimates, and inheritance mode, an automated score was calculated to assess if this variant is too frequent to cause the disease. Based on the score and internal cut-off values, a variant classified as likely benign is not then subjected to further curation. The score for this variant resulted in a classification of likely benign for this disease.